The following is an entry in ClinVar:

GRCh38/hg38 6q11.1(chr6:61468685-62167348)x3

Genes: KHDRBS2 (KH RNA binding domain containing, signal transduction associated 2; minus strand), MTRNR2L9 (MT-RNR2 like 9; plus strand), LOC121740654 (Sharpr-MPRA regulatory region 7997; plus strand), LOC123744833 (Sharpr-MPRA regulatory region 774; plus strand). Cytogenetic location: 6q11.1.
Variant type: copy number gain.
Change: copy number 3 (three copies instead of two) of chr6:61,468,685-62,167,348 (698.7 kb, GRCh38 coordinates, 1-based), cytogenetic band 6q11.1.
Identifiers: ClinVar variation 154481 (VCV000154481.3).

ClinVar aggregate classification (germline): Conflicting classifications of pathogenicity. Review status: no assertion criteria provided (0 of 4 stars). 2 submissions from 2 submitters: Uncertain significance (1); conflicting data from submitters (1). Last evaluated 2011-08-05.

Submissions (2):

ISCA site 1
Classification: conflicting data from submitters. Last evaluated: 2011-08-05. Review status: no assertion criteria provided. Collection method: clinical testing. Allele origin: paternal, unknown. Affected: yes. Observed: 6 variant alleles. Clinical features observed: Developmental delay AND/OR other significant developmental or morphological phenotypes, Delayed speech and language development (HP:0000750), Global developmental delay (HP:0001263), Gait ataxia (HP:0002066), Scoliosis (HP:0002650).
Comment: Uncertain significance(4), Likely benign (2)

Copy number variation identified through the course of routine clinical cytogenomic testing in postnatal populations, with clinical assertions as classified by the original submitter. For data from the original published study, Kaminsky, et al. 2011 (PubMed 21844811), please see nstd101.

ISCA site 4
Classification: Uncertain significance. Last evaluated: 2010-05-27. Review status: no assertion criteria provided. Collection method: clinical testing. Allele origin: unknown. Affected: yes. Observed: 2 variant alleles.